The following is an entry in ClinVar:

NM_001854.4(COL11A1):c.2302G>T (p.Asp768Tyr)

Gene: COL11A1 (collagen type XI alpha 1 chain; minus strand). Cytogenetic location: 1p21.1.
Variant type: single nucleotide variant.
Coding change: c.2302G>T on transcript NM_001854.4 (MANE Select); coding-DNA position 2302, G replaced by T.
Protein change: p.Asp768Tyr; replaces aspartic acid 768 with tyrosine.
Molecular consequence: missense variant. On other transcripts: non-coding transcript variant (1).
Genome position (GRCh38, 1-based): chr1:102,995,902, C>A on the plus strand (G>T on the coding strand, the complement: COL11A1 is on the minus strand). VCF-style: chr1-102995902-C-A. GRCh37 (hg19) VCF-style: chr1-103461458-C-A.
Other names: c.2185G>T, p.Asp729Tyr (NM_001190709.2); c.2338G>T, p.Asp780Tyr (NM_080629.3); c.1954G>T, p.Asp652Tyr (NM_080630.4); short protein forms D652Y, D729Y, D768Y, D780Y.
Identifiers: ClinVar variation 3701499 (VCV003701499.2).

ClinVar aggregate classification (germline): Uncertain significance (1 of 4 stars; one submission).

gnomAD v4.1: 2 of 1,611,976 alleles (0.00012%); highest among the groups gnomAD compares: Non-Finnish European, 0.00017%; no homozygotes.

Submission:

Labcorp Genetics (formerly Invitae), Labcorp
Classification: Uncertain significance. Last evaluated: 2024-06-30. Review status: criteria provided, single submitter. Criteria: Invitae Variant Classification Sherloc (09022015). Collection method: clinical testing. Allele origin: germline.
Comment: This sequence change replaces aspartic acid, which is acidic and polar, with tyrosine, which is neutral and polar, at codon 768 of the COL11A1 protein (p.Asp768Tyr). This variant is not present in population databases (gnomAD no frequency). This variant has not been reported in the literature in individuals affected with COL11A1-related conditions. Advanced modeling of protein sequence and biophysical properties (such as structural, functional, and spatial information, amino acid conservation, physicochemical variation, residue mobility, and thermodynamic stability) performed at Invitae indicates that this missense variant is not expected to disrupt COL11A1 protein function with a negative predictive value of 95%. In summary, the available evidence is currently insufficient to determine the role of this variant in disease. Therefore, it has been classified as a Variant of Uncertain Significance.